The following is an entry in ClinVar:

NM_003384.3(VRK1):c.452G>A (p.Arg151Gln)

Gene: VRK1 (VRK serine/threonine kinase 1; plus strand). Cytogenetic location: 14q32.2.
Variant type: single nucleotide variant.
Coding change: c.452G>A on transcript NM_003384.3 (MANE Select); coding-DNA position 452, G replaced by A.
Protein change: p.Arg151Gln; replaces arginine 151 with glutamine.
Molecular consequence: missense variant.
Genome position (GRCh38, 1-based): chr14:96,852,908, G>A. VCF-style: chr14-96852908-G-A. GRCh37 (hg19) VCF-style: chr14-97319245-G-A.
Other names: short protein forms R151Q.
Identifiers: ClinVar variation 1685209 (VCV001685209.4), dbSNP rs536881543, ClinGen allele CA7338974.

ClinVar aggregate classification (germline): Uncertain significance. Review status: criteria provided, multiple submitters, no conflicts (2 of 4 stars). 3 submissions from 3 submitters: Uncertain significance (3). Last evaluated 2026-08-06.

Conditions:
Pontocerebellar hypoplasia type 1A (PCH1A). Also called: PONTOCEREBELLAR HYPOPLASIA WITH ANTERIOR HORN CELL DISEASE; PONTOCEREBELLAR HYPOPLASIA WITH INFANTILE SPINAL MUSCULAR ATROPHY. Identifiers: Orphanet 2254, Orphanet 88616, MedGen C1843504, MONDO:0011866, OMIM 607596.
Neuronopathy, distal hereditary motor, autosomal recessive 10 (HMNR10). Also called: NEUROPATHY, DISTAL HEREDITARY MOTOR, AUTOSOMAL RECESSIVE 10; VRK1-RELATED MOTOR NEURON DISEASE. Identifiers: MedGen C5882703, MONDO:0957876, OMIM 620542.

Allele frequency attached by ClinVar (database versions not stated): gnomAD exomes 0.00002 and 0.00001; gnomAD 0.00004; 1000 Genomes Project 0.00020; 1000 Genomes Project 30x 0.00016; ExAC 0.00002; TOPMed 0.00006.
gnomAD v4.1: 21 of 1,613,736 alleles (0.0013%); highest among the groups gnomAD compares: African/African-American, 0.011%; no homozygotes.

Submissions (3):

OLLIN Analises Genomicas, OLLIN
Classification: Uncertain significance for Neuronopathy, distal hereditary motor, autosomal recessive 10. Last evaluated: 2026-08-06. Review status: criteria provided, single submitter. Criteria: ACMG Guidelines 2015 PMID 25741868. Collection method: clinical testing. Allele origin: germline. Inheritance: Autosomal recessive inheritance.
Comment: This missense variant, located in exon 6 (of 13), has been reported in ClinVar (accession VCV001685209.3) and in gnomAD with an allele frequency of 0.0013%. However, to our knowledge, it has not been reported in the scientific literature. In silico analysis predicts that this variant has a tolerated effect. According to the currently available evidence, this variant has been classified as uncertain significance (PM2_P, BP4_M).

Mendelics
Classification: Uncertain significance. Last evaluated: 2022-05-04. Review status: criteria provided, single submitter. Criteria: Mendelics Assertion Criteria 2019. Collection method: clinical testing. Allele origin: germline.

Labcorp Genetics (formerly Invitae), Labcorp
Classification: Uncertain significance for Pontocerebellar hypoplasia type 1A. Last evaluated: 2021-09-06. Review status: criteria provided, single submitter. Criteria: Invitae Variant Classification Sherloc (09022015). Collection method: clinical testing. Allele origin: germline.
Comment: This sequence change replaces arginine with glutamine at codon 151 of the VRK1 protein (p.Arg151Gln). The arginine residue is moderately conserved and there is a small physicochemical difference between arginine and glutamine. This variant is present in population databases (rs536881543, ExAC 0.02%). This variant has not been reported in the literature in individuals affected with VRK1-related conditions. Algorithms developed to predict the effect of missense changes on protein structure and function (SIFT, PolyPhen-2, Align-GVGD) all suggest that this variant is likely to be tolerated. In summary, the available evidence is currently insufficient to determine the role of this variant in disease. Therefore, it has been classified as a Variant of Uncertain Significance.